The following is an entry in ClinVar:

ClinVar aggregate classification (germline): Benign. Review status: criteria provided, multiple submitters, no conflicts (2 of 4 stars). 6 submissions from 6 submitters: Benign (6). Last evaluated 2026-02-03.

Conditions:
Autosomal recessive nonsyndromic hearing loss 91. Identifiers: Orphanet 90636, MedGen C3150704, MONDO:0013269, OMIM 613453.

Allele frequency attached by ClinVar (database versions not stated): gnomAD 0.22197 and 0.22672; ESP Exome Variant Server 0.22028; 1000 Genomes Project 30x 0.21081; ExAC 0.26445; gnomAD exomes 0.26574 and 0.29257; 1000 Genomes Project 0.21286; TOPMed 0.22004.
gnomAD v4.1: 461,969 of 1,613,874 alleles (29%); highest among the groups gnomAD compares: Middle Eastern, 32%; 68,999 homozygotes.

Submissions (6):

Labcorp Genetics (formerly Invitae), Labcorp
Classification: Benign. Last evaluated: 2026-02-03. Review status: criteria provided, single submitter. Criteria: Invitae Variant Classification Sherloc (09022015). Collection method: clinical testing. Allele origin: germline.

Genome-Nilou Lab
Classification: Benign for Autosomal recessive nonsyndromic hearing loss 91. Last evaluated: 2021-07-15. Review status: criteria provided, single submitter. Criteria: ACMG Guidelines, 2015. Collection method: clinical testing. Allele origin: germline. Affected: no.

Mayo Clinic Laboratories, Mayo Clinic
Classification: Benign. Last evaluated: 2020-09-04. Review status: criteria provided, single submitter. Criteria: ACMG Guidelines, 2015. Collection method: clinical testing. Allele origin: germline. Observed: 75 variant alleles.

GeneDx
Classification: Benign. Last evaluated: 2017-05-09. Review status: criteria provided, single submitter. Criteria: GeneDx Variant Classification (06012015). Collection method: clinical testing. Allele origin: germline. Affected: yes.
Comment: This variant is considered likely benign or benign based on one or more of the following criteria: it is a conservative change, it occurs at a poorly conserved position in the protein, it is predicted to be benign by multiple in silico algorithms, and/or has population frequency not consistent with disease.

Laboratory for Molecular Medicine, Mass General Brigham Personalized Medicine
Classification: Benign. Last evaluated: 2012-05-07. Review status: criteria provided, single submitter. Criteria: LMM Criteria. Collection method: clinical testing. Allele origin: germline. Observed: 752 variant alleles.
Comment: Met90Val in Exon 04 of SERPINB6: This variant is not expected to have clinical s ignificance because it has been identified in 30.0% (2104/7020) of European Amer ican chromosomes from a broad population by the NHLBI Exome Sequencing Project (dbSNP rs2295769).

PreventionGenetics, part of Exact Sciences
Classification: Benign. Review status: criteria provided, single submitter. Criteria: ACMG Guidelines, 2015. Collection method: clinical testing. Allele origin: germline.

NM_004568.6(SERPINB6):c.268A>G (p.Met90Val)

Gene: SERPINB6 (serpin family B member 6; minus strand). Cytogenetic location: 6p25.2.
Variant type: single nucleotide variant.
Coding change: c.268A>G on transcript NM_004568.6 (MANE Select); coding-DNA position 268, A replaced by G.
Protein change: p.Met90Val; replaces methionine 90 with valine.
Molecular consequence: missense variant. On other transcripts: non-coding transcript variant (1).
Genome position (GRCh38, 1-based): chr6:2,955,568, T>C on the plus strand (A>G on the coding strand, the complement: SERPINB6 is on the minus strand). VCF-style: chr6-2955568-T-C. GRCh37 (hg19) VCF-style: chr6-2955802-T-C.
Other names: c.280A>G, p.Met94Val (NM_001195291.3, NM_001374515.1); c.310A>G, p.Met104Val (NM_001271822.2); c.325A>G, p.Met109Val (NM_001271823.2); c.268A>G, p.Met90Val (NM_001271824.2, NM_001271825.2, NM_001297699.2 and 2 more transcripts); c.136A>G, p.Met46Val (NM_001374517.1); short protein forms M94V, M90V, M104V, M109V, M46V.
Identifiers: ClinVar variation 44132 (VCV000044132.16), dbSNP rs2295769, ClinGen allele CA133641.